The following is an entry in ClinVar:

NM_001378454.1(ALMS1):c.2596A>G (p.Lys866Glu)

Gene: ALMS1 (ALMS1 centrosome and basal body associated protein; plus strand). Cytogenetic location: 2p13.1.
Variant type: single nucleotide variant.
Coding change: c.2596A>G on transcript NM_001378454.1 (MANE Select); coding-DNA position 2596, A replaced by G.
Protein change: p.Lys866Glu; replaces lysine 866 with glutamic acid.
Molecular consequence: missense variant.
Genome position (GRCh38, 1-based): chr2:73,449,123, A>G. VCF-style: chr2-73449123-A-G. GRCh37 (hg19) VCF-style: chr2-73676250-A-G.
Other names: c.2599A>G, p.Lys867Glu (NM_015120.4); short protein forms K866E, K867E.
Identifiers: ClinVar variation 1376131 (VCV001376131.4), dbSNP rs2103775820, ClinGen allele CA347270664.
Genomic context (GRCh38, chr2:73,449,123, plus strand): 5'-GGAAAGACTGGGACACCAGCTGTAACCTCTACTTCCTCTGCGTCCTCTTCACTTGGAGAA[A>G]AGCCCAGTGCTTTCTATCAGCAGACCTTACCCAATAGTCATCTAACTGAAGAGGCTCTGA-3'
Protein context (NP_001365383.1, residues 856-876): TSSASSSLGE[Lys866Glu]PSAFYQQTLP

ClinVar aggregate classification (germline): Uncertain significance (1 of 4 stars; one submission).

Conditions:
Alstrom syndrome (ALMS). Identifiers: Orphanet 64, MedGen C0268425, MONDO:0008763, OMIM 203800.

Submission:

Labcorp Genetics (formerly Invitae), Labcorp
Classification: Uncertain significance for Alstrom syndrome. Last evaluated: 2022-07-05. Review status: criteria provided, single submitter. Criteria: Invitae Variant Classification Sherloc (09022015). Collection method: clinical testing. Allele origin: germline.
Comment: Experimental studies and prediction algorithms are not available or were not evaluated, and the functional significance of this variant is currently unknown. In summary, the available evidence is currently insufficient to determine the role of this variant in disease. Therefore, it has been classified as a Variant of Uncertain Significance. ClinVar contains an entry for this variant (Variation ID: 1376131). This variant has not been reported in the literature in individuals affected with ALMS1-related conditions. This variant is not present in population databases (gnomAD no frequency). This sequence change replaces lysine with glutamic acid at codon 867 of the ALMS1 protein (p.Lys867Glu). The lysine residue is weakly conserved and there is a small physicochemical difference between lysine and glutamic acid.